The following is an entry in ClinVar:

NM_001387283.1(SMARCA4):c.4187A>G (p.Asp1396Gly)

Gene: SMARCA4 (SWI/SNF related BAF chromatin remodeling complex subunit ATPase 4; plus strand). Cytogenetic location: 19p13.2.
Variant type: single nucleotide variant.
Coding change: c.4187A>G on transcript NM_001387283.1 (MANE Plus Clinical); coding-DNA position 4187, A replaced by G.
Protein change: p.Asp1396Gly; replaces aspartic acid 1396 with glycine.
Molecular consequence: missense variant. On other transcripts: intron variant (7).
Genome position (GRCh38, 1-based): chr19:11,039,474, A>G. VCF-style: chr19-11039474-A-G. GRCh37 (hg19) VCF-style: chr19-11150150-A-G.
Other names: c.4187A>G, p.Asp1396Gly (NM_001128849.3); c.4171-1833A>G (NM_001128844.3, NM_003072.5); c.4072-1833A>G (NM_001128847.4, NM_001374457.1, NM_001128848.2); c.4072-1824A>G (NM_001128845.2, NM_001128846.2); short protein forms D1396G.
Identifiers: ClinVar variation 238453 (VCV000238453.45), dbSNP rs186823009, ClinGen allele CA9204628.

ClinVar aggregate classification (germline): Benign/Likely benign. Review status: criteria provided, multiple submitters, no conflicts (2 of 4 stars). 6 submissions from 6 submitters: Benign (3); Likely benign (2). 1 of the submissions does not count toward it. Last evaluated 2025-11-20.

Conditions:
SMARCA4-related disorder. Also called: SMARCA4-related condition.
Hereditary cancer-predisposing syndrome. Also called: Tumor predisposition; Hereditary Cancer Syndrome; Neoplastic Syndromes, Hereditary; Hereditary neoplastic syndrome. Identifiers: Orphanet 140162, MedGen C0027672, MeSH D009386, MONDO:0015356.
Rhabdoid tumor predisposition syndrome 2 (RTPS2). Identifiers: Orphanet 231108, Orphanet 69077, MedGen C2750074, MONDO:0013224, OMIM 613325.

Allele frequency attached by ClinVar (database versions not stated): 1000 Genomes Project 30x 0.00047; 1000 Genomes Project 0.00060.
gnomAD v4.1: 139 of 1,598,468 alleles (0.0087%); highest among the groups gnomAD compares: South Asian, 0.15%; no homozygotes.

Submissions (6):

Labcorp Genetics (formerly Invitae), Labcorp
Classification: Likely benign for Rhabdoid tumor predisposition syndrome 2. Last evaluated: 2025-11-20. Review status: criteria provided, single submitter. Criteria: Invitae Variant Classification Sherloc (09022015). Collection method: clinical testing. Allele origin: germline.

Quest Diagnostics Nichols Institute San Juan Capistrano
Classification: Benign. Last evaluated: 2023-09-15. Review status: criteria provided, single submitter. Criteria: Quest Diagnostics criteria. Collection method: clinical testing. Allele origin: unknown.

CeGaT Center for Human Genetics Tuebingen
Classification: Benign. Last evaluated: 2023-05-01. Review status: criteria provided, single submitter. Criteria: CeGaT Center For Human Genetics Tuebingen Variant Classification Criteria Version 2. Collection method: clinical testing. Allele origin: germline. Affected: yes. Observed: 1 variant allele.
Comment: SMARCA4: PP2, BP4, BS1, BS2

Ambry Genetics
Classification: Likely benign for Hereditary cancer-predisposing syndrome. Last evaluated: 2022-03-17. Review status: criteria provided, single submitter. Criteria: Ambry Variant Classification Scheme 2023. Collection method: clinical testing. Allele origin: germline.

Sema4
Classification: Benign for Hereditary cancer-predisposing syndrome. Last evaluated: 2022-01-15. Review status: criteria provided, single submitter. Criteria: Sema4 Curation Guidelines. Collection method: curation. Allele origin: germline.

PreventionGenetics, part of Exact Sciences
Classification: Likely benign for SMARCA4-related condition. Last evaluated: 2024-08-01. Review status: no assertion criteria provided. Collection method: clinical testing. Allele origin: germline. Not counted in ClinVar's aggregate classification.
Comment: This variant is classified as likely benign based on ACMG/AMP sequence variant interpretation guidelines (Richards et al. 2015 PMID: 25741868, with internal and published modifications).